The following is an entry in ClinVar:

ClinVar aggregate classification (germline): Uncertain significance (1 of 4 stars; one submission).

Conditions:
Charcot-Marie-Tooth disease type 4. Also called: Charcot-Marie-Tooth disease, type IV; Charcot-Marie-Tooth, Type 4. Identifiers: Orphanet 64749, MedGen C4082197, MONDO:0018995.

Submission:

Labcorp Genetics (formerly Invitae), Labcorp
Classification: Uncertain significance for Charcot-Marie-Tooth disease type 4. Last evaluated: 2023-12-05. Review status: criteria provided, single submitter. Criteria: Invitae Variant Classification Sherloc (09022015). Collection method: clinical testing. Allele origin: germline.
Comment: This sequence change replaces valine, which is neutral and non-polar, with isoleucine, which is neutral and non-polar, at codon 552 of the SBF2 protein (p.Val552Ile). This variant is not present in population databases (gnomAD no frequency). This variant has not been reported in the literature in individuals affected with SBF2-related conditions. Advanced modeling of protein sequence and biophysical properties (such as structural, functional, and spatial information, amino acid conservation, physicochemical variation, residue mobility, and thermodynamic stability) performed at Invitae indicates that this missense variant is expected to disrupt SBF2 protein function with a positive predictive value of 80%. In summary, the available evidence is currently insufficient to determine the role of this variant in disease. Therefore, it has been classified as a Variant of Uncertain Significance.

NM_030962.4(SBF2):c.1654G>A (p.Val552Ile)

Gene: SBF2 (SET binding factor 2; minus strand). Cytogenetic location: 11p15.4.
Variant type: single nucleotide variant.
Coding change: c.1654G>A on transcript NM_030962.4 (MANE Select); coding-DNA position 1654, G replaced by A.
Protein change: p.Val552Ile; replaces valine 552 with isoleucine.
Molecular consequence: missense variant.
Genome position (GRCh38, 1-based): chr11:9,963,829, C>T on the plus strand (G>A on the coding strand, the complement: SBF2 is on the minus strand). VCF-style: chr11-9963829-C-T. GRCh37 (hg19) VCF-style: chr11-9985376-C-T.
Other names: c.1654G>A, p.Val552Ile (NM_001386339.1); c.1525G>A, p.Val509Ile (NM_001386342.1); c.1690G>A, p.Val564Ile (NM_001424318.1, NM_001425069.1, NM_001425070.1); short protein forms V509I, V552I, V564I.
Identifiers: ClinVar variation 2997660 (VCV002997660.3), dbSNP rs2495875283, ClinGen allele CA379644978.